The following is an entry in ClinVar:

ClinVar aggregate classification (germline): Uncertain significance. Review status: criteria provided, multiple submitters, no conflicts (2 of 4 stars). 2 submissions from 2 submitters: Uncertain significance (2). Last evaluated 2020-06-20.

Submissions (2):

Labcorp Genetics (formerly Invitae), Labcorp
Classification: Uncertain significance. Last evaluated: 2020-06-20. Review status: criteria provided, single submitter. Criteria: Invitae Variant Classification Sherloc (09022015). Collection method: clinical testing. Allele origin: germline.
Comment: This sequence change replaces threonine with arginine at codon 289 of the GALNT12 protein (p.Thr289Arg). The threonine residue is weakly conserved and there is a moderate physicochemical difference between threonine and arginine. This variant is not present in population databases (ExAC no frequency). This variant has not been reported in the literature in individuals with GALNT12-related conditions. ClinVar contains an entry for this variant (Variation ID: 822639). Algorithms developed to predict the effect of missense changes on protein structure and function are either unavailable or do not agree on the potential impact of this missense change (SIFT: "Tolerated"; PolyPhen-2: "Possibly Damaging"; Align-GVGD: "Class C0"). Algorithms developed to predict the effect of sequence changes on RNA splicing suggest that this variant may create or strengthen a splice site, but this prediction has not been confirmed by published transcriptional studies. In summary, the available evidence is currently insufficient to determine the role of this variant in disease. Therefore, it has been classified as a Variant of Uncertain Significance.

Ambry Genetics
Classification: Uncertain significance. Last evaluated: 2019-12-10. Review status: criteria provided, single submitter. Criteria: Ambry Variant Classification Scheme 2023. Collection method: clinical testing. Allele origin: germline.
Comment: The p.T289R variant (also known as c.866C>G), located in coding exon 4 of the GALNT12 gene, results from a C to G substitution at nucleotide position 866. The threonine at codon 289 is replaced by arginine, an amino acid with similar properties. This amino acid position is poorly conserved in available vertebrate species. In addition, this alteration is predicted to be tolerated by in silico analysis. Since supporting evidence is limited at this time, the clinical significance of this alteration remains unclear.

NM_024642.5(GALNT12):c.866C>G (p.Thr289Arg)

Gene: GALNT12 (polypeptide N-acetylgalactosaminyltransferase 12; plus strand). Cytogenetic location: 9q22.33.
Variant type: single nucleotide variant.
Coding change: c.866C>G on transcript NM_024642.5 (MANE Select); coding-DNA position 866, C replaced by G.
Protein change: p.Thr289Arg; replaces threonine 289 with arginine.
Molecular consequence: missense variant.
Genome position (GRCh38, 1-based): chr9:98,831,906, C>G. VCF-style: chr9-98831906-C-G. GRCh37 (hg19) VCF-style: chr9-101594188-C-G.
Other names: short protein forms T289R.
Identifiers: ClinVar variation 822639 (VCV000822639.13), dbSNP rs1588450015, ClinGen allele CA374218236.
Genomic context (GRCh38, chr9:98,831,906, plus strand): 5'-GGAACTCCGGGGAGCCCCAGATCGGCGGTTTCGACTGGAGGCTGGTGTTCACGTGGCACA[C>G]AGTTCCTGAGAGGGAGAGGATACGGATGCAATCCCCCGTCGATGTCATCAGGTCAGGAGC-3'
Protein context (NP_078918.3, residues 279-299): FDWRLVFTWH[Thr289Arg]VPERERIRMQ